The following is an entry in ClinVar:

ClinVar aggregate classification (germline): Conflicting classifications of pathogenicity. Review status: criteria provided, conflicting classifications (1 of 4 stars). 2 submissions from 2 submitters: Uncertain significance (1); Benign (1). Last evaluated 2025-09-17.

Conditions:
Primary ciliary dyskinesia. Also called: Ciliary dyskinesia. Identifiers: Orphanet 244, MedGen C0008780, MONDO:0016575, HP:0012265.

Allele frequency attached by ClinVar (database versions not stated): gnomAD 0.00001; ExAC 0.00002; TOPMed 0.00002.
gnomAD v4.1: 9 of 1,607,498 alleles (0.00056%); highest among the groups gnomAD compares: Admixed American, 0.012%; no homozygotes.

Submissions (2):

Ambry Genetics
Classification: Uncertain significance for Primary ciliary dyskinesia. Last evaluated: 2025-09-17. Review status: criteria provided, single submitter. Criteria: Ambry Variant Classification Scheme 2023. Collection method: clinical testing. Allele origin: germline.
Comment: The p.C978Y variant (also known as c.2933G>A), located in coding exon 15 of the DNAH11 gene, results from a G to A substitution at nucleotide position 2933. The cysteine at codon 978 is replaced by tyrosine, an amino acid with highly dissimilar properties. This amino acid position is conserved. In addition, this alteration is predicted to be tolerated by in silico analysis. Based on the available evidence, the clinical significance of this variant remains unclear.

Labcorp Genetics (formerly Invitae), Labcorp
Classification: Benign for Primary ciliary dyskinesia. Last evaluated: 2023-06-29. Review status: criteria provided, single submitter. Criteria: Invitae Variant Classification Sherloc (09022015). Collection method: clinical testing. Allele origin: germline.

NM_001277115.2(DNAH11):c.2933G>A (p.Cys978Tyr)

Genes: DNAH11 (dynein axonemal heavy chain 11; plus strand), LOC126859961 (BRD4-independent group 4 enhancer GRCh37_chr7:21639662-21640861; plus strand). Cytogenetic location: 7p15.3.
Variant type: single nucleotide variant.
Coding change: c.2933G>A on transcript NM_001277115.2 (MANE Select); coding-DNA position 2933, G replaced by A.
Protein change: p.Cys978Tyr; replaces cysteine 978 with tyrosine.
Molecular consequence: missense variant.
Genome position (GRCh38, 1-based): chr7:21,600,052, G>A. VCF-style: chr7-21600052-G-A. GRCh37 (hg19) VCF-style: chr7-21639670-G-A.
Other names: c.2933G>A, p.Cys978Tyr (NM_003777.3); c.2933G>A (NM_001277115.1); short protein forms C978Y.
Identifiers: ClinVar variation 2735591 (VCV002735591.3), dbSNP rs769462010, ClinGen allele CA4179468.
Genomic context (GRCh38, chr7:21,600,052, plus strand): 5'-AACCTTCCCTAGACAGAGAGGCTGGGGATGGCTTCTATGATCTTGTAGAAGAAATGTTAT[G>A]CAATAGTTTTAGAATGTCTGCCCAGATGAACCGAATAGCAACACACCTGGAAATTAAAAA-3'
Protein context (NP_001264044.1, residues 968-988): GFYDLVEEML[Cys978Tyr]NSFRMSAQMN